The following is an entry in ClinVar:

ClinVar aggregate classification (germline): Uncertain significance. Review status: criteria provided, multiple submitters, no conflicts (2 of 4 stars). 2 submissions from 2 submitters: Uncertain significance (2). Last evaluated 2025-12-29.

Allele frequency attached by ClinVar (database versions not stated): TOPMed below 0.00001; gnomAD 0.00001; gnomAD exomes 0.00003.

Submissions (2):

Labcorp Genetics (formerly Invitae), Labcorp
Classification: Uncertain significance. Last evaluated: 2025-12-29. Review status: criteria provided, single submitter. Criteria: Invitae Variant Classification Sherloc (09022015). Collection method: clinical testing. Allele origin: germline.
Comment: This sequence change replaces glycine, which is neutral and non-polar, with aspartic acid, which is acidic and polar, at codon 27 of the GATA5 protein (p.Gly27Asp). The frequency data for this variant in the population databases is considered unreliable, as metrics indicate poor data quality at this position in the gnomAD database. This variant has not been reported in the literature in individuals affected with GATA5-related conditions. ClinVar contains an entry for this variant (Variation ID: 1461916). An algorithm developed to predict the effect of missense changes on protein structure and function (PolyPhen-2) suggests that this variant is likely to be disruptive. In summary, the available evidence is currently insufficient to determine the role of this variant in disease. Therefore, it has been classified as a Variant of Uncertain Significance.

Ambry Genetics
Classification: Uncertain significance. Last evaluated: 2025-05-20. Review status: criteria provided, single submitter. Criteria: Ambry Variant Classification Scheme 2023. Collection method: clinical testing. Allele origin: germline.

NM_080473.5(GATA5):c.80G>A (p.Gly27Asp)

Gene: GATA5 (GATA binding protein 5; minus strand). Cytogenetic location: 20q13.33.
Variant type: single nucleotide variant.
Coding change: c.80G>A on transcript NM_080473.5 (MANE Select); coding-DNA position 80, G replaced by A.
Protein change: p.Gly27Asp; replaces glycine 27 with aspartic acid.
Molecular consequence: missense variant.
Genome position (GRCh38, 1-based): chr20:62,475,442, C>T on the plus strand (G>A on the coding strand, the complement: GATA5 is on the minus strand). VCF-style: chr20-62475442-C-T. GRCh37 (hg19) VCF-style: chr20-61050498-C-T.
Other names: c.80G>A (NM_080473.4); short protein forms G27D.
Identifiers: ClinVar variation 1461916 (VCV001461916.9), dbSNP rs930857802, ClinGen allele CA317288659.